The following is an entry in ClinVar:

ClinVar aggregate classification (germline): Likely benign (0 of 4 stars; one submission).

Conditions:
CELSR1-related disorder. Also called: CELSR1-related condition.

Allele frequency attached by ClinVar (database versions not stated): gnomAD 0.00001; TOPMed 0.00002; ESP Exome Variant Server 0.00008.
gnomAD v4.1: 14 of 1,608,286 alleles (0.00087%); highest among the groups gnomAD compares: East Asian, 0.0045%; no homozygotes.

Submission:

PreventionGenetics, part of Exact Sciences
Classification: Likely benign for CELSR1-related condition. Last evaluated: 2021-06-17. Review status: no assertion criteria provided. Collection method: clinical testing. Allele origin: germline.
Comment: This variant is classified as likely benign based on ACMG/AMP sequence variant interpretation guidelines (Richards et al. 2015 PMID: 25741868, with internal and published modifications).

NM_001378328.1(CELSR1):c.7323C>T (p.Val2441=)

Gene: CELSR1 (cadherin EGF LAG seven-pass G-type receptor 1; minus strand). Cytogenetic location: 22q13.31.
Variant type: single nucleotide variant.
Coding change: c.7323C>T on transcript NM_001378328.1 (MANE Select); coding-DNA position 7323, C replaced by T.
Protein change: p.Val2441=; no amino-acid change (valine 2441 retained).
Molecular consequence: synonymous variant.
Genome position (GRCh38, 1-based): chr22:46,378,651, G>A on the plus strand (C>T on the coding strand, the complement: CELSR1 is on the minus strand). VCF-style: chr22-46378651-G-A. GRCh37 (hg19) VCF-style: chr22-46774548-G-A.
Other names: c.7323C>T, p.Val2441= (NM_014246.4).
Identifiers: ClinVar variation 3029352 (VCV003029352.2), dbSNP rs370573042, ClinGen allele CA10293410.
Genomic context (GRCh38, chr22:46,378,651, plus strand): 5'-CTCACGCCTGGAGATATCCATGAGCACCGCAAAGCTGGCTGTGTGGCTGCACTGGCAGGC[G>A]ACATGTGTCCGGTTCCTGGACAGGAGCTCGCAGCCCCGGGCAGACCACCCTCCCGTCCCA-3'
Protein context (NP_001365257.1, residues 2431-2451): CELLSRNRTH[Val2441=]ACQCSHTASF